The following is an entry in ClinVar:

NM_139279.6(MCFD2):c.*2075C>T

Genes: MCFD2 (multiple coagulation factor deficiency 2, ER cargo receptor complex subunit; minus strand), MCFD2-AS1 (MCFD2 antisense RNA 1; plus strand). Cytogenetic location: 2p21.
Variant type: single nucleotide variant.
Coding change: c.*2075C>T on transcript NM_139279.6 (MANE Select); 2075 bases downstream of the stop codon, C replaced by T.
Molecular consequence: 3 prime UTR variant.
Genome position (GRCh38, 1-based): chr2:46,903,388, G>A on the plus strand (C>T on the coding strand, the complement: MCFD2 is on the minus strand). VCF-style: chr2-46903388-G-A. GRCh37 (hg19) VCF-style: chr2-47130527-G-A.
Other names: c.*2075C>T (NM_001171506.2, NM_001171507.2, NM_001171508.2 and 3 more transcripts).
Identifiers: ClinVar variation 336344 (VCV000336344.6), dbSNP rs6743966, ClinGen allele CA10615390.

ClinVar aggregate classification (germline): Benign. Review status: criteria provided, multiple submitters, no conflicts (2 of 4 stars). 2 submissions from 2 submitters: Benign (2). Last evaluated 2018-01-13.

Conditions:
Factor 5 and Factor VIII, combined deficiency of, 2. Identifiers: Orphanet 35909, MedGen C3150889, MONDO:0013331, OMIM 613625.

Allele frequency attached by ClinVar (database versions not stated): gnomAD 0.11844 and 0.11544; 1000 Genomes Project 30x 0.13616; TOPMed 0.12405; 1000 Genomes Project 0.13199; gnomAD exomes 0.05222.
gnomAD v4.1: 17,572 of 152,916 alleles (11%); highest among the groups gnomAD compares: African/African-American, 22%; 1,404 homozygotes.

Submissions (2):

Illumina Laboratory Services, Illumina
Classification: Benign for Factor 5 and Factor VIII, combined deficiency of, 2. Last evaluated: 2018-01-13. Review status: criteria provided, single submitter. Criteria: ICSL Variant Classification Criteria 13 December 2019. Collection method: clinical testing. Allele origin: germline.
Comment: This variant was observed in the ICSL laboratory as part of a predisposition screen in an ostensibly healthy population. It had not been previously curated by ICSL or reported in the Human Gene Mutation Database (HGMD: prior to June 1st, 2018), and was therefore a candidate for classification through an automated scoring system. Utilizing variant allele frequency, disease prevalence and penetrance estimates, and inheritance mode, an automated score was calculated to assess if this variant is too frequent to cause the disease. Based on the score and internal cut-off values, a variant classified as benign is not then subjected to further curation. The score for this variant resulted in a classification of benign for this disease.

Breakthrough Genomics
Classification: Benign. Review status: criteria provided, single submitter. Criteria: ACMG Guidelines, 2015. Collection method: not provided. Allele origin: germline. Inheritance: Unknown mechanism. Affected: yes.